The following is an entry in ClinVar:

NM_153026.3(PRICKLE1):c.775+9_775+18del

Gene: PRICKLE1 (prickle planar cell polarity protein 1; minus strand). Cytogenetic location: 12q12.
Variant type: Deletion.
Coding change: c.775+9_775+18del on transcript NM_153026.3 (MANE Select); bases 9 to 18 of the intron after coding-DNA position 775, 10 bases deleted (ACAGCCAGCC; older notation c.775+9_775+18delACAGCCAGCC).
Molecular consequence: intron variant.
Genome position (GRCh38, 1-based): chr12:42,466,176-42,466,185, GGCTGGCTGT deleted on the plus strand (ACAGCCAGCC on the coding strand, the reverse complement: PRICKLE1 is on the minus strand); deleting any 10 consecutive bases within chr12:42,466,176-42,466,187 gives the same sequence; the c. name uses the placement nearest the transcript's 3' end. VCF-style (leftmost placement, unchanged base first): chr12-42466175-GGGCTGGCTGT-G. GRCh37 (hg19) VCF-style: chr12-42859977-GGGCTGGCTGT-G.
Other names: c.775+9_775+18del (NM_001144883.2, NM_001144882.2, NM_001144881.2); c.775+9_775+18delACAGCCAGCC (NM_153026.2).
Identifiers: ClinVar variation 418809 (VCV000418809.9), dbSNP rs769446547, ClinGen allele CA6519847.

ClinVar aggregate classification (germline): Likely benign. Review status: criteria provided, multiple submitters, no conflicts (2 of 4 stars). 2 submissions from 2 submitters: Likely benign (2). Last evaluated 2026-01-11.

Conditions:
Epilepsy, progressive myoclonic, 1B. Also called: PME. Identifiers: Orphanet 308, MedGen C2676254, MONDO:0012904, OMIM 612437.

Submissions (2):

Labcorp Genetics (formerly Invitae), Labcorp
Classification: Likely benign for Epilepsy, progressive myoclonic, 1B. Last evaluated: 2026-01-11. Review status: criteria provided, single submitter. Criteria: Invitae Variant Classification Sherloc (09022015). Collection method: clinical testing. Allele origin: germline.

GeneDx
Classification: Likely benign. Last evaluated: 2018-01-12. Review status: criteria provided, single submitter. Criteria: GeneDx Variant Classification (06012015). Collection method: clinical testing. Allele origin: germline. Affected: yes.
Comment: This variant is considered likely benign or benign based on one or more of the following criteria: it is a conservative change, it occurs at a poorly conserved position in the protein, it is predicted to be benign by multiple in silico algorithms, and/or has population frequency not consistent with disease.